The following is an entry in ClinVar:

NM_000642.3(AGL):c.3679G>C (p.Asp1227His)

Gene: AGL (amylo-alpha-1,6-glucosidase and 4-alpha-glucanotransferase; plus strand). Cytogenetic location: 1p21.2.
Variant type: single nucleotide variant.
Coding change: c.3679G>C on transcript NM_000642.3 (MANE Select); coding-DNA position 3679, G replaced by C.
Protein change: p.Asp1227His; replaces aspartic acid 1227 with histidine.
Molecular consequence: missense variant.
Genome position (GRCh38, 1-based): chr1:99,902,773, G>C. VCF-style: chr1-99902773-G-C. GRCh37 (hg19) VCF-style: chr1-100368329-G-C.
Other names: c.3679G>C, p.Asp1227His (NM_000028.3, NM_000643.3, NM_000644.3 and 1 more transcripts); c.3631G>C, p.Asp1211His (NM_000646.3); c.3658G>C, p.Asp1220His (NM_001425326.1); c.3478G>C, p.Asp1160His (NM_001425327.1); c.3475G>C, p.Asp1159His (NM_001425328.1); c.3340G>C, p.Asp1114His (NM_001425329.1); c.3301G>C, p.Asp1101His (NM_001425332.1); short protein forms D1101H, D1160H, D1114H, D1227H, D1159H, D1211H, D1220H.
Identifiers: ClinVar variation 2820151 (VCV002820151.3), dbSNP rs2523735961, ClinGen allele CA341335106.

ClinVar aggregate classification (germline): Uncertain significance (1 of 4 stars; one submission).

Conditions:
Glycogen storage disease type III (GSD3). Also called: Cori disease; FORBES DISEASE. Identifiers: Orphanet 366, MedGen C0017922, MONDO:0009291, OMIM 232400.

Submission:

Labcorp Genetics (formerly Invitae), Labcorp
Classification: Uncertain significance for Glycogen storage disease type III. Last evaluated: 2024-08-05. Review status: criteria provided, single submitter. Criteria: Invitae Variant Classification Sherloc (09022015). Collection method: clinical testing. Allele origin: germline.
Comment: This sequence change replaces aspartic acid, which is acidic and polar, with histidine, which is basic and polar, at codon 1227 of the AGL protein (p.Asp1227His). This variant is not present in population databases (gnomAD no frequency). This variant has not been reported in the literature in individuals affected with AGL-related conditions. Advanced modeling of protein sequence and biophysical properties (such as structural, functional, and spatial information, amino acid conservation, physicochemical variation, residue mobility, and thermodynamic stability) performed at Invitae indicates that this missense variant is expected to disrupt AGL protein function with a positive predictive value of 80%. In summary, the available evidence is currently insufficient to determine the role of this variant in disease. Therefore, it has been classified as a Variant of Uncertain Significance.